The following is an entry in ClinVar:

ClinVar aggregate classification (germline): Uncertain significance. Review status: criteria provided, multiple submitters, no conflicts (2 of 4 stars). 2 submissions from 2 submitters: Uncertain significance (2). Last evaluated 2023-06-02.

Conditions:
Inborn genetic diseases. Identifiers: MedGen C0950123, MeSH D030342.

Allele frequency attached by ClinVar (database versions not stated): gnomAD exomes below 0.00001.

Submissions (2):

Ambry Genetics
Classification: Uncertain significance for Inborn genetic diseases. Last evaluated: 2023-06-02. Review status: criteria provided, single submitter. Criteria: Ambry Variant Classification Scheme 2023. Collection method: clinical testing. Allele origin: germline.

Labcorp Genetics (formerly Invitae), Labcorp
Classification: Uncertain significance. Last evaluated: 2022-07-19. Review status: criteria provided, single submitter. Criteria: Invitae Variant Classification Sherloc (09022015). Collection method: clinical testing. Allele origin: germline.
Comment: In summary, the available evidence is currently insufficient to determine the role of this variant in disease. Therefore, it has been classified as a Variant of Uncertain Significance. Algorithms developed to predict the effect of missense changes on protein structure and function (SIFT, PolyPhen-2, Align-GVGD) all suggest that this variant is likely to be disruptive. This variant has not been reported in the literature in individuals affected with FBXO11-related conditions. This variant is not present in population databases (gnomAD no frequency). This sequence change replaces arginine, which is basic and polar, with glutamine, which is neutral and polar, at codon 558 of the FBXO11 protein (p.Arg558Gln).

NM_001190274.2(FBXO11):c.1673G>A (p.Arg558Gln)

Gene: FBXO11 (F-box protein 11; minus strand). Cytogenetic location: 2p16.3.
Variant type: single nucleotide variant.
Coding change: c.1673G>A on transcript NM_001190274.2 (MANE Select); coding-DNA position 1673, G replaced by A.
Protein change: p.Arg558Gln; replaces arginine 558 with glutamine.
Molecular consequence: missense variant.
Genome position (GRCh38, 1-based): chr2:47,822,247, C>T on the plus strand (G>A on the coding strand, the complement: FBXO11 is on the minus strand). VCF-style: chr2-47822247-C-T. GRCh37 (hg19) VCF-style: chr2-48049386-C-T.
Other names: c.1421G>A, p.Arg474Gln (NM_001374325.1, NM_025133.4); c.1673G>A (NM_001190274.1); short protein forms R558Q, R474Q.
Identifiers: ClinVar variation 1978810 (VCV001978810.6), dbSNP rs974707834, ClinGen allele CA46734068.